The following is an entry in ClinVar:

ClinVar aggregate classification (germline): Uncertain significance (1 of 4 stars; one submission).

Conditions:
Brachyolmia-amelogenesis imperfecta syndrome. Also called: PLATYSPONDYLY WITH AMELOGENESIS IMPERFECTA; Tooth agenesis, selective, 6; Dental anomalies and short stature. Identifiers: Orphanet 2899, MedGen C1832594, MONDO:0011018, OMIM 601216. Disease mechanism: loss of function.

Submission:

Labcorp Genetics (formerly Invitae), Labcorp
Classification: Uncertain significance for Brachyolmia-amelogenesis imperfecta syndrome. Last evaluated: 2024-09-04. Review status: criteria provided, single submitter. Criteria: Invitae Variant Classification Sherloc (09022015). Collection method: clinical testing. Allele origin: germline.
Comment: This sequence change falls in intron 24 of the LTBP3 gene. It does not directly change the encoded amino acid sequence of the LTBP3 protein. It affects a nucleotide within the consensus splice site. This variant is not present in population databases (gnomAD no frequency). This variant has not been reported in the literature in individuals affected with LTBP3-related conditions. Variants that disrupt the consensus splice site are a relatively common cause of aberrant splicing (PMID: 17576681, 9536098). Algorithms developed to predict the effect of sequence changes on RNA splicing suggest that this variant may disrupt the consensus splice site. In summary, the available evidence is currently insufficient to determine the role of this variant in disease. Therefore, it has been classified as a Variant of Uncertain Significance.

Literature cited by the submitters: PubMed 17576681; PubMed 9536098.

NM_001130144.3(LTBP3):c.3385+5G>A

Genes: LTBP3 (latent transforming growth factor beta binding protein 3; minus strand), LOC130006027 (ATAC-STARR-seq lymphoblastoid silent region 3530; plus strand). Cytogenetic location: 11q13.1.
Variant type: single nucleotide variant.
Coding change: c.3385+5G>A on transcript NM_001130144.3 (MANE Select); 5 bases into the intron after coding-DNA position 3385, G replaced by A.
Molecular consequence: intron variant.
Genome position (GRCh38, 1-based): chr11:65,540,008, C>T on the plus strand (G>A on the coding strand, the complement: LTBP3 is on the minus strand). VCF-style: chr11-65540008-C-T. GRCh37 (hg19) VCF-style: chr11-65307479-C-T.
Other names: c.2894-127G>A (NM_001164266.1); c.3245-127G>A (NM_021070.4).
Identifiers: ClinVar variation 3622465 (VCV003622465.2).